The following is an entry in ClinVar:

NM_030665.4(RAI1):c.3392C>T (p.Thr1131Ile)

Gene: RAI1 (retinoic acid induced 1; plus strand). Cytogenetic location: 17p11.2.
Variant type: single nucleotide variant.
Coding change: c.3392C>T on transcript NM_030665.4 (MANE Select); coding-DNA position 3392, C replaced by T.
Protein change: p.Thr1131Ile; replaces threonine 1131 with isoleucine.
Molecular consequence: missense variant.
Genome position (GRCh38, 1-based): chr17:17,796,340, C>T. VCF-style: chr17-17796340-C-T. GRCh37 (hg19) VCF-style: chr17-17699654-C-T.
Other names: short protein forms T1131I.
Identifiers: ClinVar variation 1398050 (VCV001398050.6), dbSNP rs2143002643, ClinGen allele CA398553564.

ClinVar aggregate classification (germline): Uncertain significance (1 of 4 stars; one submission).

Submission:

Labcorp Genetics (formerly Invitae), Labcorp
Classification: Uncertain significance. Last evaluated: 2021-08-28. Review status: criteria provided, single submitter. Criteria: Invitae Variant Classification Sherloc (09022015). Collection method: clinical testing. Allele origin: germline.
Comment: In summary, the available evidence is currently insufficient to determine the role of this variant in disease. Therefore, it has been classified as a Variant of Uncertain Significance. Algorithms developed to predict the effect of missense changes on protein structure and function (SIFT, PolyPhen-2, Align-GVGD) all suggest that this variant is likely to be tolerated. This variant has not been reported in the literature in individuals affected with RAI1-related conditions. This variant is not present in population databases (ExAC no frequency). This sequence change replaces threonine with isoleucine at codon 1131 of the RAI1 protein (p.Thr1131Ile). The threonine residue is moderately conserved and there is a moderate physicochemical difference between threonine and isoleucine.